The following is an entry in ClinVar:

NM_017950.4(CCDC40):c.1085A>G (p.Lys362Arg)

Gene: CCDC40 (coiled-coil domain 40 molecular ruler complex subunit; plus strand). Cytogenetic location: 17q25.3.
Variant type: single nucleotide variant.
Coding change: c.1085A>G on transcript NM_017950.4 (MANE Select); coding-DNA position 1085, A replaced by G.
Protein change: p.Lys362Arg; replaces lysine 362 with arginine.
Molecular consequence: missense variant.
Genome position (GRCh38, 1-based): chr17:80,050,209, A>G. VCF-style: chr17-80050209-A-G. GRCh37 (hg19) VCF-style: chr17-78024008-A-G.
Other names: c.1085A>G, p.Lys362Arg (NM_001243342.2, NM_001330508.2); short protein forms K362R.
Identifiers: ClinVar variation 1302573 (VCV001302573.2), dbSNP rs2143617296, ClinGen allele CA401355697.

ClinVar aggregate classification (germline): Uncertain significance (1 of 4 stars; one submission).

gnomAD v4.1: 2 of 1,610,080 alleles (0.00012%); highest among the groups gnomAD compares: Non-Finnish European, 0.00017%; no homozygotes.

Submission:

GeneDx
Classification: Uncertain significance. Last evaluated: 2019-06-05. Review status: criteria provided, single submitter. Criteria: GeneDx Variant Classification Process June 2021. Collection method: clinical testing. Allele origin: germline. Affected: yes.
Comment: Has not been previously published as pathogenic or benign to our knowledge; Not observed in large population cohorts (Lek et al., 2016); In silico analysis, which includes protein predictors and evolutionary conservation, supports that this variant does not alter protein structure/function